The following is an entry in ClinVar:

NM_001130009.3(GEN1):c.1469A>G (p.His490Arg)

Gene: GEN1 (GEN1 Holliday junction 5' flap endonuclease; plus strand). Cytogenetic location: 2p24.2.
Variant type: single nucleotide variant.
Coding change: c.1469A>G on transcript NM_001130009.3 (MANE Select); coding-DNA position 1469, A replaced by G.
Protein change: p.His490Arg; replaces histidine 490 with arginine.
Molecular consequence: missense variant.
Genome position (GRCh38, 1-based): chr2:17,780,681, A>G. VCF-style: chr2-17780681-A-G. GRCh37 (hg19) VCF-style: chr2-17961948-A-G.
Other names: c.1469A>G, p.His490Arg (NM_182625.5); short protein forms H490R.
Identifiers: ClinVar variation 3853433 (VCV003853433.1).

ClinVar aggregate classification (germline): Uncertain significance (1 of 4 stars; one submission).

Submission:

Ambry Genetics
Classification: Uncertain significance. Last evaluated: 2024-12-16. Review status: criteria provided, single submitter. Criteria: Ambry Variant Classification Scheme 2023. Collection method: clinical testing. Allele origin: germline.
Comment: The p.H490R variant (also known as c.1469A>G), located in coding exon 13 of the GEN1 gene, results from an A to G substitution at nucleotide position 1469. The histidine at codon 490 is replaced by arginine, an amino acid with highly similar properties. This amino acid position is conserved. In addition, this alteration is predicted to be tolerated by in silico analysis. Based on the available evidence, the clinical significance of this variant remains unclear.